The following is an entry in ClinVar:

ClinVar aggregate classification (germline): Likely pathogenic (1 of 4 stars; one submission).

Conditions:
Basal ganglia calcification, idiopathic, 5. Also called: PRIMARY FAMILIAL BRAIN CALCIFICATION 5, AUTOSOMAL DOMINANT. Identifiers: Orphanet 1980, MedGen C3809645, MONDO:0014204, OMIM 615483.

Submission:

Department of Genetics, Rouen University Hospital, Normandy Center for Genomic and Personalized Medicine
Classification: Likely pathogenic for Basal ganglia calcification, idiopathic, 5. Last evaluated: 2024-02-12. Review status: criteria provided, single submitter. Criteria: ACMG Guidelines, 2015. Collection method: clinical testing, in vitro. Allele origin: unknown, not applicable. Inheritance: Autosomal dominant inheritance. Affected: yes. Observed: 1 heterozygote. Functional consequence: Decreased function.
Comment: PS3, PM2, PP4

NM_002608.4(PDGFB):c.-318C>T

Gene: PDGFB (platelet derived growth factor subunit B; minus strand). Cytogenetic location: 22q13.1.
Variant type: single nucleotide variant.
Coding change: c.-318C>T on transcript NM_002608.4 (MANE Select); 318 bases upstream of the start codon, C replaced by T.
Molecular consequence: 5 prime UTR variant.
Genome position (GRCh38, 1-based): chr22:39,244,281, G>A on the plus strand (C>T on the coding strand, the complement: PDGFB is on the minus strand). VCF-style: chr22-39244281-G-A. GRCh37 (hg19) VCF-style: chr22-39640286-G-A.
Identifiers: ClinVar variation 2920728 (VCV002920728.3), dbSNP rs1372805291, ClinGen allele CA2656783247.